The following is an entry in ClinVar:

NM_018109.4(MTPAP):c.1313-29_1313-13del

Gene: MTPAP (mitochondrial poly(A) polymerase; minus strand). Cytogenetic location: 10p11.23.
Variant type: Deletion.
Coding change: c.1313-29_1313-13del on transcript NM_018109.4 (MANE Select); 29 bases into the intron before coding-DNA position 1313 through 13 bases into the intron before coding-DNA position 1313, 17 bases deleted (CTGATTGTCCTTGTTTT).
Molecular consequence: intron variant.
Genome position (GRCh38, 1-based): chr10:30,316,049-30,316,065, AAAACAAGGACAATCAG deleted on the plus strand (CTGATTGTCCTTGTTTT on the coding strand, the reverse complement: MTPAP is on the minus strand); deleting any 17 consecutive bases within chr10:30,316,049-30,316,066 gives the same sequence; the c. name uses the placement nearest the transcript's 3' end. VCF-style (leftmost placement, unchanged base first): chr10-30316048-TAAAACAAGGACAATCAG-T. GRCh37 (hg19) VCF-style: chr10-30604977-TAAAACAAGGACAATCAG-T.
Identifiers: ClinVar variation 2128637 (VCV002128637.1), dbSNP rs2538447206, ClinGen allele CA2580081484.

ClinVar aggregate classification (germline): Uncertain significance (1 of 4 stars; one submission).

Submission:

Labcorp Genetics (formerly Invitae), Labcorp
Classification: Uncertain significance. Last evaluated: 2022-04-21. Review status: criteria provided, single submitter. Criteria: Invitae Variant Classification Sherloc (09022015). Collection method: clinical testing. Allele origin: germline.
Comment: This sequence change falls in intron 7 of the MTPAP gene. It does not directly change the encoded amino acid sequence of the MTPAP protein. This variant is not present in population databases (gnomAD no frequency). This variant has not been reported in the literature in individuals affected with MTPAP-related conditions. Algorithms developed to predict the effect of sequence changes on RNA splicing suggest that this variant may disrupt the consensus splice site. In summary, the available evidence is currently insufficient to determine the role of this variant in disease. Therefore, it has been classified as a Variant of Uncertain Significance.